The following is an entry in ClinVar:

NM_022455.5(NSD1):c.1811G>T (p.Arg604Leu)

Gene: NSD1 (nuclear receptor binding SET domain protein 1; plus strand). Cytogenetic location: 5q35.3.
Variant type: single nucleotide variant.
Coding change: c.1811G>T on transcript NM_022455.5 (MANE Select); coding-DNA position 1811, G replaced by T.
Protein change: p.Arg604Leu; replaces arginine 604 with leucine.
Molecular consequence: missense variant.
Genome position (GRCh38, 1-based): chr5:177,210,210, G>T. VCF-style: chr5-177210210-G-T. GRCh37 (hg19) VCF-style: chr5-176637211-G-T.
Other names: c.938G>T, p.Arg313Leu (NM_001365684.2, NM_001409306.1, NM_001409307.1 and 3 more transcripts); c.1811G>T, p.Arg604Leu (NM_001409301.1, NM_001409302.1, NM_001409303.1); c.1391G>T, p.Arg464Leu (NM_001409304.1); c.1058G>T, p.Arg353Leu (NM_001409305.1); short protein forms R604L, R335L, R313L, R353L, R464L.
Identifiers: ClinVar variation 159272 (VCV000159272.26), dbSNP rs61744451, ClinGen allele CA294809.
Genomic context (GRCh38, chr5:177,210,210, plus strand): 5'-CTTCAAATGGTGACTCTTTATTGGGCTTGCCTGAGGGTGCTTTGATCTCAAAGTGTTCTC[G>T]AGAGAAGAATAAACCCCAACGAAGCCTGGTGTGTGGTTCAAAAGTGAAGCTCTGCTATAT-3'
Protein context (NP_071900.2, residues 594-614): PEGALISKCS[Arg604Leu]EKNKPQRSLV

ClinVar aggregate classification (germline): Benign/Likely benign. Review status: criteria provided, multiple submitters, no conflicts (2 of 4 stars). 7 submissions from 7 submitters: Benign (5); Likely benign (2). Last evaluated 2026-03-16.

Conditions:
Sotos syndrome (SOTOS). Also called: SOTOS SYNDROME 1; CEREBRAL GIGANTISM; Distinctive facial appearance, overgrowth in childhood, and learning disabilities or delayed development; CHROMOSOME 5q35 DELETION SYNDROME; Sotos' syndrome. Identifiers: Orphanet 821, MedGen C0175695, MONDO:0019349, OMIM 117550.
Inborn genetic diseases. Identifiers: MedGen C0950123, MeSH D030342.

Allele frequency attached by ClinVar (database versions not stated): 1000 Genomes Project 30x 0.00671; ESP Exome Variant Server 0.00531; 1000 Genomes Project 0.00559; TOPMed 0.00604.
gnomAD v4.1: 1,642 of 1,596,372 alleles (0.1%); highest among the groups gnomAD compares: African/African-American, 2%; 15 homozygotes.

Submissions (8):

Dasa
Classification: Likely benign. Last evaluated: 2026-03-16. Review status: criteria provided, single submitter. Criteria: DASA Assertion Criteria. Collection method: clinical testing. Allele origin: germline.
Comment: NM_022455.5(NSD1):c.1811G>T (p.Arg604Leu) is a missense variant that results in the substitution of arginine with leucine. Population frequency is inconsistent with a disease-causing role for this variant, and observations in unaffected individuals support a benign interpretation. Therefore, based on the currently available evidence, this variant is classified as likely benign.

Labcorp Genetics (formerly Invitae), Labcorp
Classification: Benign. Last evaluated: 2026-01-26. Review status: criteria provided, single submitter. Criteria: Invitae Variant Classification Sherloc (09022015). Collection method: clinical testing. Allele origin: germline.

Blueprint Genetics
Classification: Likely benign. Last evaluated: 2024-09-02. Review status: criteria provided, single submitter. Criteria: ACMG Guidelines, 2015. Collection method: clinical testing. Allele origin: germline.

Genome-Nilou Lab
Classification: Benign for Sotos syndrome. Last evaluated: 2021-07-15. Review status: criteria provided, single submitter. Criteria: ACMG Guidelines, 2015. Collection method: clinical testing. Allele origin: germline. Affected: no.

Genetic Services Laboratory, University of Chicago
Classification: Benign. Last evaluated: 2016-09-06. Review status: criteria provided, single submitter. Criteria: ACMG Guidelines, 2015. Collection method: clinical testing. Allele origin: germline. Affected: no.

Ambry Genetics
Classification: Benign for Inborn genetic diseases. Last evaluated: 2016-06-21. Review status: criteria provided, single submitter. Criteria: Ambry Variant Classification Scheme 2023. Collection method: clinical testing. Allele origin: germline.

GeneDx
Classification: Benign. Last evaluated: 2015-03-31. Review status: criteria provided, single submitter. Criteria: GeneDx Variant Classification (06012015). Collection method: clinical testing. Allele origin: germline. Affected: yes.
Comment: This variant is considered likely benign or benign based on one or more of the following criteria: it is a conservative change, it occurs at a poorly conserved position in the protein, it is predicted to be benign by multiple in silico algorithms, and/or has population frequency not consistent with disease.

Dr. Peter K. Rogan Lab, Western University
No classification provided (evidence only). Condition: Thyroid cancer, nonmedullary, 1. Review status: no classification provided. Collection method: in vitro. Allele origin: not applicable. Functional consequence: skipped exon, retained intron. Not counted in ClinVar's aggregate classification.